The following is an entry in ClinVar:

ClinVar aggregate classification (germline): Uncertain significance. Review status: criteria provided, multiple submitters, no conflicts (2 of 4 stars). 3 submissions from 3 submitters: Uncertain significance (3). Last evaluated 2025-05-08.

Conditions:
Joubert syndrome 17 (JBTS17). Identifiers: Orphanet 475, MedGen C3553264, MONDO:0013824, OMIM 614615.
Orofaciodigital syndrome type 6 (OFD6). Also called: OROFACIODIGITAL SYNDROME VI; OFDS VI; POLYDACTYLY, CLEFT LIP/PALATE OR LINGUAL LUMP, AND PSYCHOMOTOR RETARDATION; VARADI SYNDROME; VARADI-PAPP SYNDROME; Oral-facial-digital syndrome type 6. Identifiers: Orphanet 2754, MedGen C2745997, MONDO:0010176, OMIM 277170.

Allele frequency attached by ClinVar (database versions not stated): gnomAD exomes 0.00001; ExAC 0.00003; TOPMed 0.00004; gnomAD 0.00005; ESP Exome Variant Server 0.00008.
gnomAD v4.1: 21 of 1,613,970 alleles (0.0013%); highest among the groups gnomAD compares: African/African-American, 0.011%; no homozygotes.

Submissions (3):

Labcorp Genetics (formerly Invitae), Labcorp
Classification: Uncertain significance. Last evaluated: 2025-05-08. Review status: criteria provided, single submitter. Criteria: Invitae Variant Classification Sherloc (09022015). Collection method: clinical testing. Allele origin: germline.
Comment: This sequence change replaces arginine, which is basic and polar, with tryptophan, which is neutral and slightly polar, at codon 2679 of the CPLANE1 protein (p.Arg2679Trp). This variant is present in population databases (rs142792453, gnomAD 0.01%). This variant has not been reported in the literature in individuals affected with CPLANE1-related conditions. ClinVar contains an entry for this variant (Variation ID: 353426). Invitae Evidence Modeling of protein sequence and biophysical properties (such as structural, functional, and spatial information, amino acid conservation, physicochemical variation, residue mobility, and thermodynamic stability) indicates that this missense variant is not expected to disrupt CPLANE1 protein function with a negative predictive value of 95%. In summary, the available evidence is currently insufficient to determine the role of this variant in disease. Therefore, it has been classified as a Variant of Uncertain Significance.

Fulgent Genetics
Classification: Uncertain significance for Orofaciodigital syndrome type 6; Joubert syndrome 17. Last evaluated: 2023-12-21. Review status: criteria provided, single submitter. Criteria: ACMG Guidelines, 2015. Collection method: clinical testing. Allele origin: germline.

Illumina Laboratory Services, Illumina
Classification: Uncertain significance for Joubert syndrome 17. Last evaluated: 2018-01-13. Review status: criteria provided, single submitter. Criteria: ICSL Variant Classification Criteria 13 December 2019. Collection method: clinical testing. Allele origin: germline.

NM_001384732.1(CPLANE1):c.8197C>T (p.Arg2733Trp)

Gene: CPLANE1 (ciliogenesis and planar polarity effector complex subunit 1; minus strand). Cytogenetic location: 5p13.2.
Variant type: single nucleotide variant.
Coding change: c.8197C>T on transcript NM_001384732.1 (MANE Select); coding-DNA position 8197, C replaced by T.
Protein change: p.Arg2733Trp; replaces arginine 2733 with tryptophan.
Molecular consequence: missense variant.
Genome position (GRCh38, 1-based): chr5:37,153,916, G>A on the plus strand (C>T on the coding strand, the complement: CPLANE1 is on the minus strand). VCF-style: chr5-37153916-G-A. GRCh37 (hg19) VCF-style: chr5-37154018-G-A.
Other names: c.8035C>T, p.Arg2679Trp (NM_023073.4); short protein forms R2679W, R2733W.
Identifiers: ClinVar variation 353426 (VCV000353426.14), dbSNP rs142792453, ClinGen allele CA3237846.